The following is an entry in ClinVar:

NM_004370.6(COL12A1):c.9185C>T (p.Ser3062Phe)

Gene: COL12A1 (collagen type XII alpha 1 chain; minus strand). Cytogenetic location: 6q13.
Variant type: single nucleotide variant.
Coding change: c.9185C>T on transcript NM_004370.6 (MANE Select); coding-DNA position 9185, C replaced by T.
Protein change: p.Ser3062Phe; replaces serine 3062 with phenylalanine.
Molecular consequence: missense variant.
Genome position (GRCh38, 1-based): chr6:75,086,554, G>A on the plus strand (C>T on the coding strand, the complement: COL12A1 is on the minus strand). VCF-style: chr6-75086554-G-A. GRCh37 (hg19) VCF-style: chr6-75796270-G-A.
Other names: c.5693C>T, p.Ser1898Phe (NM_080645.3); short protein forms S1898F, S3062F.
Identifiers: ClinVar variation 2165579 (VCV002165579.4), dbSNP rs776138916, ClinGen allele CA3891983.

ClinVar aggregate classification (germline): Uncertain significance (1 of 4 stars; one submission).

Conditions:
Ullrich congenital muscular dystrophy 2 (UCMD2). Identifiers: Orphanet 75840, MedGen C4225314, MONDO:0014654, OMIM 616470.
Bethlem myopathy 2 (BTHLM2). Identifiers: Orphanet 536516, Orphanet 610, MedGen C4225313, MONDO:0034022, OMIM 616471.

Allele frequency attached by ClinVar (database versions not stated): gnomAD exomes below 0.00001; ExAC 0.00001.
gnomAD v4.1: 3 of 1,604,900 alleles (0.00019%); highest among the groups gnomAD compares: South Asian, 0.0033%; no homozygotes.

Submission:

Labcorp Genetics (formerly Invitae), Labcorp
Classification: Uncertain significance for Bethlem myopathy 2; Ullrich congenital muscular dystrophy 2. Last evaluated: 2021-12-11. Review status: criteria provided, single submitter. Criteria: Invitae Variant Classification Sherloc (09022015). Collection method: clinical testing. Allele origin: germline.
Comment: In summary, the available evidence is currently insufficient to determine the role of this variant in disease. Therefore, it has been classified as a Variant of Uncertain Significance. Algorithms developed to predict the effect of missense changes on protein structure and function are either unavailable or do not agree on the potential impact of this missense change (SIFT: "Deleterious"; PolyPhen-2: "Probably Damaging"; Align-GVGD: "Class C0"). This variant has not been reported in the literature in individuals affected with COL12A1-related conditions. This variant is not present in population databases (gnomAD no frequency). This sequence change replaces serine, which is neutral and polar, with phenylalanine, which is neutral and non-polar, at codon 3062 of the COL12A1 protein (p.Ser3062Phe).